The following is an entry in ClinVar:

ClinVar aggregate classification (germline): Uncertain significance (1 of 4 stars; one submission).

Allele frequency attached by ClinVar (database versions not stated): gnomAD exomes below 0.00001; gnomAD 0.00001; ExAC 0.00002.
gnomAD v4.1: 3 of 1,589,078 alleles (0.00019%); highest among the groups gnomAD compares: Non-Finnish European, 0.00026%; no homozygotes.

Submission:

Labcorp Genetics (formerly Invitae), Labcorp
Classification: Uncertain significance. Last evaluated: 2022-07-05. Review status: criteria provided, single submitter. Criteria: Invitae Variant Classification Sherloc (09022015). Collection method: clinical testing. Allele origin: germline.
Comment: In summary, the available evidence is currently insufficient to determine the role of this variant in disease. Therefore, it has been classified as a Variant of Uncertain Significance. Algorithms developed to predict the effect of missense changes on protein structure and function are either unavailable or do not agree on the potential impact of this missense change (SIFT: "Tolerated"; PolyPhen-2: "Probably Damaging"; Align-GVGD: "Class C0"). This variant has not been reported in the literature in individuals affected with RARS-related conditions. This variant is present in population databases (rs775427968, gnomAD 0.002%). This sequence change replaces proline, which is neutral and non-polar, with serine, which is neutral and polar, at codon 264 of the RARS protein (p.Pro264Ser).

NM_002887.4(RARS1):c.790C>T (p.Pro264Ser)

Gene: RARS1 (arginyl-tRNA synthetase 1; plus strand). Cytogenetic location: 5q34.
Variant type: single nucleotide variant.
Coding change: c.790C>T on transcript NM_002887.4 (MANE Select); coding-DNA position 790, C replaced by T.
Protein change: p.Pro264Ser; replaces proline 264 with serine.
Molecular consequence: missense variant.
Genome position (GRCh38, 1-based): chr5:168,497,316, C>T. VCF-style: chr5-168497316-C-T. GRCh37 (hg19) VCF-style: chr5-167924321-C-T.
Other names: short protein forms P264S.
Identifiers: ClinVar variation 2058874 (VCV002058874.4), dbSNP rs775427968, ClinGen allele CA3549719.